The following is an entry in ClinVar:

ClinVar aggregate classification (germline): Uncertain significance (1 of 4 stars; one submission).

Conditions:
Long QT syndrome (LQTS). Identifiers: MedGen C0023976, MeSH D008133, MONDO:0002442. Disease mechanism: loss of function. Inheritance: Various modes of inheritance.

gnomAD v4.1: 3 of 1,612,992 alleles (0.00019%); highest among the groups gnomAD compares: Admixed American, 0.005%; no homozygotes.

Submission:

Labcorp Genetics (formerly Invitae), Labcorp
Classification: Uncertain significance for Long QT syndrome. Last evaluated: 2022-08-15. Review status: criteria provided, single submitter. Criteria: Invitae Variant Classification Sherloc (09022015). Collection method: clinical testing. Allele origin: germline.
Comment: This sequence change replaces aspartic acid, which is acidic and polar, with glutamic acid, which is acidic and polar, at codon 2029 of the AKAP9 protein (p.Asp2029Glu). In summary, the available evidence is currently insufficient to determine the role of this variant in disease. Therefore, it has been classified as a Variant of Uncertain Significance. Algorithms developed to predict the effect of missense changes on protein structure and function are either unavailable or do not agree on the potential impact of this missense change (SIFT: "Tolerated"; PolyPhen-2: "Probably Damaging"; Align-GVGD: "Class C0"). ClinVar contains an entry for this variant (Variation ID: 642718). This variant has not been reported in the literature in individuals affected with AKAP9-related conditions. This variant is present in population databases (rs771793410, gnomAD 0.006%).

NM_005751.5(AKAP9):c.6087T>G (p.Asp2029Glu)

Gene: AKAP9 (A-kinase anchoring protein 9; plus strand). Cytogenetic location: 7q21.2.
Variant type: single nucleotide variant.
Coding change: c.6087T>G on transcript NM_005751.5 (MANE Select); coding-DNA position 6087, T replaced by G.
Protein change: p.Asp2029Glu; replaces aspartic acid 2029 with glutamic acid.
Molecular consequence: missense variant.
Genome position (GRCh38, 1-based): chr7:92,065,340, T>G. VCF-style: chr7-92065340-T-G. GRCh37 (hg19) VCF-style: chr7-91694654-T-G.
Other names: c.732T>G, p.Asp244Glu (NM_001379277.1); c.6087T>G, p.Asp2029Glu (NM_147185.3); short protein forms D2029E, D244E.
Identifiers: ClinVar variation 642718 (VCV000642718.8), dbSNP rs771793410, ClinGen allele CA4336994.